The following is an entry in ClinVar:

NM_153240.5(NPHP3):c.1891G>A (p.Val631Ile)

Genes: NPHP3 (nephrocystin 3; minus strand), NPHP3-ACAD11 (NPHP3-ACAD11 readthrough (NMD candidate); minus strand). Cytogenetic location: 3q22.1.
Variant type: single nucleotide variant.
Coding change: c.1891G>A on transcript NM_153240.5 (MANE Select); coding-DNA position 1891, G replaced by A.
Protein change: p.Val631Ile; replaces valine 631 with isoleucine.
Molecular consequence: missense variant.
Genome position (GRCh38, 1-based): chr3:132,699,447, C>T on the plus strand (G>A on the coding strand, the complement: NPHP3 is on the minus strand). VCF-style: chr3-132699447-C-T. GRCh37 (hg19) VCF-style: chr3-132418291-C-T.
Other names: short protein forms V631I.
Identifiers: ClinVar variation 900220 (VCV000900220.13), dbSNP rs765722959, ClinGen allele CA2622177.

ClinVar aggregate classification (germline): Uncertain significance. Review status: criteria provided, multiple submitters, no conflicts (2 of 4 stars). 6 submissions from 4 submitters: Uncertain significance (6). Last evaluated 2026-03-01.

Conditions:
Nephronophthisis 3 (NPHP3). Also called: Adolescent nephronophthisis. Identifiers: Orphanet 655, MedGen C1858392, MONDO:0011456, OMIM 604387.
NPHP3-related Meckel-like syndrome. Also called: GOLDSTON SYNDROME; Meckel syndrome type 7. Identifiers: Orphanet 3032, MedGen C2673885, MONDO:0009966, OMIM 267010.
Renal-hepatic-pancreatic dysplasia 1 (RHPD1). Identifiers: MedGen C3715199, MONDO:0008833, OMIM 208540.
Nephronophthisis. Also called: Juvenile Nephronophthisis. Identifiers: Orphanet 655, MedGen C0687120, MONDO:0019005, HP:0000090.

Allele frequency attached by ClinVar (database versions not stated): gnomAD exomes 0.00005 and 0.00006; TOPMed 0.00006; ExAC 0.00007; gnomAD 0.00007 and 0.00008.
gnomAD v4.1: 87 of 1,604,980 alleles (0.0054%); highest among the groups gnomAD compares: Middle Eastern, 0.18%; no homozygotes.

Submissions (6):

CeGaT Center for Human Genetics Tuebingen
Classification: Uncertain significance. Last evaluated: 2026-03-01. Review status: criteria provided, single submitter. Criteria: CeGaT Center For Human Genetics Tuebingen Variant Classification Criteria Version 2. Collection method: clinical testing. Allele origin: germline. Affected: yes. Observed: 1 variant allele.
Comment: NPHP3: PM2, BP4

Labcorp Genetics (formerly Invitae), Labcorp
Classification: Uncertain significance for Nephronophthisis. Last evaluated: 2025-12-29. Review status: criteria provided, single submitter. Criteria: Invitae Variant Classification Sherloc (09022015). Collection method: clinical testing. Allele origin: germline.
Comment: This sequence change replaces valine, which is neutral and non-polar, with isoleucine, which is neutral and non-polar, at codon 631 of the NPHP3 protein (p.Val631Ile). This variant is present in population databases (rs765722959, gnomAD 0.01%). This variant has not been reported in the literature in individuals affected with NPHP3-related conditions. ClinVar contains an entry for this variant (Variation ID: 900220). Invitae Evidence Modeling of protein sequence and biophysical properties (such as structural, functional, and spatial information, amino acid conservation, physicochemical variation, residue mobility, and thermodynamic stability) has been performed for this missense variant. However, the output from this modeling did not meet the statistical confidence thresholds required to predict the impact of this variant on NPHP3 protein function. In summary, the available evidence is currently insufficient to determine the role of this variant in disease. Therefore, it has been classified as a Variant of Uncertain Significance.

Fulgent Genetics
Classification: Uncertain significance for Renal-hepatic-pancreatic dysplasia 1; NPHP3-related Meckel-like syndrome; Nephronophthisis 3. Last evaluated: 2022-04-22. Review status: criteria provided, single submitter. Criteria: ACMG Guidelines, 2015. Collection method: clinical testing. Allele origin: unknown.

Illumina Laboratory Services, Illumina
Classification: Uncertain significance for Nephronophthisis 3. Last evaluated: 2018-01-12. Review status: criteria provided, single submitter. Criteria: ICSL Variant Classification Criteria 13 December 2019. Collection method: clinical testing. Allele origin: germline.

Illumina Laboratory Services, Illumina
Classification: Uncertain significance for NPHP3-related Meckel-like syndrome. Last evaluated: 2018-01-12. Review status: criteria provided, single submitter. Criteria: ICSL Variant Classification Criteria 13 December 2019. Collection method: clinical testing. Allele origin: germline.

Illumina Laboratory Services, Illumina
Classification: Uncertain significance for Renal-hepatic-pancreatic dysplasia 1. Last evaluated: 2018-01-12. Review status: criteria provided, single submitter. Criteria: ICSL Variant Classification Criteria 13 December 2019. Collection method: clinical testing. Allele origin: germline.